The following is an entry in ClinVar:

NM_001384732.1(CPLANE1):c.4074C>G (p.Ile1358Met)

Gene: CPLANE1 (ciliogenesis and planar polarity effector complex subunit 1; minus strand). Cytogenetic location: 5p13.2.
Variant type: single nucleotide variant.
Coding change: c.4074C>G on transcript NM_001384732.1 (MANE Select); coding-DNA position 4074, C replaced by G.
Protein change: p.Ile1358Met; replaces isoleucine 1358 with methionine.
Molecular consequence: missense variant.
Genome position (GRCh38, 1-based): chr5:37,187,420, G>C on the plus strand (C>G on the coding strand, the complement: CPLANE1 is on the minus strand). VCF-style: chr5-37187420-G-C. GRCh37 (hg19) VCF-style: chr5-37187522-G-C.
Other names: c.4074C>G, p.Ile1358Met (NM_023073.4); short protein forms I1358M.
Identifiers: ClinVar variation 648620 (VCV000648620.8), dbSNP rs145018253, ClinGen allele CA359504867.
Genomic context (GRCh38, chr5:37,187,420, plus strand): 5'-TCTTTTAAAGTCTCTGATTCTGATGTAGTTTACTTTCACCTACAAGCACATTACCTTTCT[G>C]ATTGGTGGCAGTTCTCCAATAAGGCTCAAAATTATATCCTGAATAAGTTCTTCCATATTA-3'
Protein context (NP_001371661.1, residues 1348-1368): ILSLIGELPP[Ile1358Met]RKVAEIFVKA

ClinVar aggregate classification (germline): Uncertain significance (1 of 4 stars; one submission).

gnomAD v4.1: 5 of 1,609,586 alleles (0.00031%); highest among the groups gnomAD compares: Non-Finnish European, 0.00042%; no homozygotes.

Submission:

Labcorp Genetics (formerly Invitae), Labcorp
Classification: Uncertain significance. Last evaluated: 2018-11-20. Review status: criteria provided, single submitter. Criteria: Invitae Variant Classification Sherloc (09022015). Collection method: clinical testing. Allele origin: germline.
Comment: In summary, the available evidence is currently insufficient to determine the role of this variant in disease. Therefore, it has been classified as a Variant of Uncertain Significance. Algorithms developed to predict the effect of missense changes on protein structure and function are either unavailable or do not agree on the potential impact of this missense change (SIFT: "Deleterious"; PolyPhen-2: "Benign"; Align-GVGD: "Class C0"). This variant has not been reported in the literature in individuals with CPLANE1-related disease. This variant is not present in population databases (ExAC no frequency). This sequence change replaces isoleucine with methionine at codon 1358 of the CPLANE1 protein (p.Ile1358Met). The isoleucine residue is moderately conserved and there is a small physicochemical difference between isoleucine and methionine.